The following is an entry in ClinVar:

NM_018136.5(ASPM):c.842T>G (p.Phe281Cys)

Gene: ASPM (assembly factor for spindle microtubules; minus strand). Cytogenetic location: 1q31.3.
Variant type: single nucleotide variant.
Coding change: c.842T>G on transcript NM_018136.5 (MANE Select); coding-DNA position 842, T replaced by G.
Protein change: p.Phe281Cys; replaces phenylalanine 281 with cysteine.
Molecular consequence: missense variant.
Genome position (GRCh38, 1-based): chr1:197,143,410, A>C on the plus strand (T>G on the coding strand, the complement: ASPM is on the minus strand). VCF-style: chr1-197143410-A-C. GRCh37 (hg19) VCF-style: chr1-197112540-A-C.
Other names: c.842T>G, p.Phe281Cys (NM_001206846.2); short protein forms F281C.
Identifiers: ClinVar variation 4811302 (VCV004811302.1).

ClinVar aggregate classification (germline): Uncertain significance (1 of 4 stars; one submission).

Submission:

Labcorp Genetics (formerly Invitae), Labcorp
Classification: Uncertain significance. Last evaluated: 2026-01-20. Review status: criteria provided, single submitter. Criteria: Invitae Variant Classification Sherloc (09022015). Collection method: clinical testing. Allele origin: germline.
Comment: This sequence change replaces phenylalanine, which is neutral and non-polar, with cysteine, which is neutral and slightly polar, at codon 281 of the ASPM protein (p.Phe281Cys). This variant is not present in population databases (gnomAD no frequency). This variant has not been reported in the literature in individuals affected with ASPM-related conditions. Invitae Evidence Modeling of protein sequence and biophysical properties (such as structural, functional, and spatial information, amino acid conservation, physicochemical variation, residue mobility, and thermodynamic stability) indicates that this missense variant is not expected to disrupt ASPM protein function with a negative predictive value of 80%. In summary, the available evidence is currently insufficient to determine the role of this variant in disease. Therefore, it has been classified as a Variant of Uncertain Significance.